The following is an entry in ClinVar:

ClinVar aggregate classification (germline): Likely pathogenic. Review status: reviewed by expert panel (3 of 4 stars). 4 submissions from 4 submitters: Likely pathogenic (1). 3 of the submissions do not count toward it. Last evaluated 2026-07-22.

Conditions:
Seizures, benign familial infantile, 3 (BFIS3). Also called: CONVULSIONS, BENIGN FAMILIAL INFANTILE, 3; Familial neonatal seizures. Identifiers: Orphanet 140927, Orphanet 306, MedGen C1843140, MONDO:0011904, OMIM 607745.
Episodic ataxia, type 9. Identifiers: MedGen C5394520, MONDO:0030064, OMIM 618924.
Developmental and epileptic encephalopathy, 11 (DEE11). Also called: Early infantile epileptic encephalopathy 11. Identifiers: Orphanet 1934, MedGen C3150987, MONDO:0013388, OMIM 613721.
Complex neurodevelopmental disorder. Identifiers: Orphanet 528084, MedGen C5568766, MONDO:0100038.

Submissions (4):

ClinGen Epilepsy Sodium Channel Variant Curation Expert Panel, Clingen
Classification: Likely pathogenic for Complex neurodevelopmental disorder. Last evaluated: 2026-07-22. Review status: reviewed by expert panel. Criteria: ClinGen EpilepsySCN ACMG Specifications SCN2A V2.0.0. Collection method: curation. Allele origin: germline. Inheritance: Autosomal dominant inheritance.
Comment: The c.2696G>A variant in SCN2A is a missense variant predicted to cause substitution of Glycine by Aspartic acid at amino acid 899 (p.Gly899Asp). This variant has been reported in 3 probands with phenotypes consistent with complex neurodevelopmental disorder (PS4_moderate: PMID 29655203, Internal lab contributors). This variant is absent from gnomAD v4 (PM2_Supporting). The computational predictor REVEL gives a score of 0.975, which is above the threshold of 0.644, evidence that correlates with impact to SCN2A function (PP3_Moderate). This variant resides within a Pathogenic Enriched Region, amino acids 895-903, of SCN2A that is defined as a mutational hotspot and/or critical functional domain by the ClinGen Epilepsy Sodium Channel VCEP (PM1). Another missense variant c.2695G>A (p.Gly899Ser) in the same codon of SCN2A has been reported (ClinVar Variation ID 206974). However, this variant has not yet met the criteria to be classified as pathogenic or likely pathogenic by the ClinGen Epilepsy Sodium Channel VCEP (PM5 not met). Three different missense variants in the same codon of paralogous genes have been reported: SCN1A:c.2722G>C (p.Gly908Arg), SCN1A:c.2722G>A (p.Gly908Ser), SCN3A:c.2698G>A (p.Gly900Ser) (ClinVar Variation IDs 206786, 1695472, 661395). However, only one of these variants have met the criteria to be classified as pathogenic or likely pathogenic by the ClinGen Epilepsy Sodium Channel VCEP (PM5 not met). In summary, this variant meets the criteria to be classified as likely pathogenic for autosomal dominant complex neurodevelopmental disorder based on the ACMG/AMP criteria applied, as specified by the ClinGen Epilepsy Sodium Channel VCEP: PM2_Supporting, PP3_Moderate, PM1, PS4_Moderate (VCEP specifications v2.0.0; July 22, 2026)

Labcorp Genetics (formerly Invitae), Labcorp
Classification: Likely pathogenic for Seizures, benign familial infantile, 3; Developmental and epileptic encephalopathy, 11. Last evaluated: 2024-08-30. Review status: criteria provided, single submitter. Criteria: Invitae Variant Classification Sherloc (09022015). Collection method: clinical testing. Allele origin: germline. Not counted in ClinVar's aggregate classification.
Comment: This sequence change replaces glycine, which is neutral and non-polar, with aspartic acid, which is acidic and polar, at codon 899 of the SCN2A protein (p.Gly899Asp). This variant is not present in population databases (gnomAD no frequency). This missense change has been observed in individuals with clinical features of SCN2A-related conditions (PMID: 29655203). ClinVar contains an entry for this variant (Variation ID: 206975). Invitae Evidence Modeling of protein sequence and biophysical properties (such as structural, functional, and spatial information, amino acid conservation, physicochemical variation, residue mobility, and thermodynamic stability) indicates that this missense variant is expected to disrupt SCN2A protein function with a positive predictive value of 95%. In summary, the currently available evidence indicates that the variant is pathogenic, but additional data are needed to prove that conclusively. Therefore, this variant has been classified as Likely Pathogenic.

Fulgent Genetics
Classification: Uncertain significance for Seizures, benign familial infantile, 3; Developmental and epileptic encephalopathy, 11; Episodic ataxia, type 9. Last evaluated: 2022-04-08. Review status: criteria provided, single submitter. Criteria: ACMG Guidelines, 2015. Collection method: clinical testing. Allele origin: unknown. Not counted in ClinVar's aggregate classification.

GeneDx
Classification: Uncertain significance. Last evaluated: 2018-09-18. Review status: criteria provided, single submitter. Criteria: GeneDx Variant Classification Process June 2021. Collection method: clinical testing. Allele origin: germline. Affected: yes. Not counted in ClinVar's aggregate classification.
Comment: Not observed in large population cohorts (Lek et al., 2016); The majority of missense variants in this gene are considered pathogenic (Stenson et al., 2014}; Has not been previously published as pathogenic or benign to our knowledge; This variant is associated with the following publications: (PMID: 29655203)

Literature cited by the submitters: PubMed 29655203 (cited by Labcorp Genetics (formerly Invitae), Labcorp).

NM_001040142.2(SCN2A):c.2696G>A (p.Gly899Asp)

Gene: SCN2A (sodium voltage-gated channel alpha subunit 2; plus strand). Cytogenetic location: 2q24.3.
Variant type: single nucleotide variant.
Coding change: c.2696G>A on transcript NM_001040142.2 (MANE Select); coding-DNA position 2696, G replaced by A.
Protein change: p.Gly899Asp; replaces glycine 899 with aspartic acid.
Molecular consequence: missense variant.
Genome position (GRCh38, 1-based): chr2:165,344,688, G>A. VCF-style: chr2-165344688-G-A. GRCh37 (hg19) VCF-style: chr2-166201198-G-A.
Other names: p.G899D:GGC>GAC; NM_001040142.2(SCN2A):c.2696G>A; p.Gly899Asp; c.2696G>A, p.Gly899Asp (NM_001040143.2, NM_001371246.1, NM_001371247.1 and 1 more transcripts); short protein forms G899D.
Identifiers: ClinVar variation 206975 (VCV000206975.14), dbSNP rs796053121, ClinGen allele CA317895.